The following is an entry in ClinVar:

NM_022124.6(CDH23):c.3643C>A (p.Arg1215Ser)

Genes: C10orf105 (chromosome 10 open reading frame 105; minus strand), CDH23 (cadherin related 23; plus strand). Cytogenetic location: 10q22.1.
Variant type: single nucleotide variant.
Coding change: c.3643C>A on transcript NM_022124.6 (MANE Select); coding-DNA position 3643, C replaced by A.
Protein change: p.Arg1215Ser; replaces arginine 1215 with serine.
Molecular consequence: missense variant. On other transcripts: intron variant (1).
Genome position (GRCh38, 1-based): chr10:71,730,532, C>A. VCF-style: chr10-71730532-C-A. GRCh37 (hg19) VCF-style: chr10-73490289-C-A.
Other names: c.3643C>A, p.Arg1215Ser (NM_001171930.2); c.-6+7196G>T (NM_001168390.2); short protein forms R1215S.
Identifiers: ClinVar variation 2170575 (VCV002170575.1), dbSNP rs758254641, ClinGen allele CA377154525.

ClinVar aggregate classification (germline): Uncertain significance (1 of 4 stars; one submission).

Submission:

Labcorp Genetics (formerly Invitae), Labcorp
Classification: Uncertain significance. Last evaluated: 2022-07-19. Review status: criteria provided, single submitter. Criteria: Invitae Variant Classification Sherloc (09022015). Collection method: clinical testing. Allele origin: germline.
Comment: This sequence change replaces arginine, which is basic and polar, with serine, which is neutral and polar, at codon 1215 of the CDH23 protein (p.Arg1215Ser). This variant is not present in population databases (gnomAD no frequency). This variant has not been reported in the literature in individuals affected with CDH23-related conditions. Algorithms developed to predict the effect of missense changes on protein structure and function are either unavailable or do not agree on the potential impact of this missense change (SIFT: "Deleterious"; PolyPhen-2: "Not Available"; Align-GVGD: "Class C35"). In summary, the available evidence is currently insufficient to determine the role of this variant in disease. Therefore, it has been classified as a Variant of Uncertain Significance.